The following is an entry in ClinVar:

NM_017636.4(TRPM4):c.2114C>T (p.Thr705Ile)

Gene: TRPM4 (transient receptor potential cation channel subfamily M member 4; plus strand). Cytogenetic location: 19q13.33.
Variant type: single nucleotide variant.
Coding change: c.2114C>T on transcript NM_017636.4 (MANE Select); coding-DNA position 2114, C replaced by T.
Protein change: p.Thr705Ile; replaces threonine 705 with isoleucine.
Molecular consequence: missense variant.
Genome position (GRCh38, 1-based): chr19:49,190,302, C>T. VCF-style: chr19-49190302-C-T. GRCh37 (hg19) VCF-style: chr19-49693559-C-T.
Other names: c.2114C>T, p.Thr705Ile (NM_001195227.2); c.1769C>T, p.Thr590Ile (NM_001321281.2); c.506C>T, p.Thr169Ile (NM_001321282.2); c.1592C>T, p.Thr531Ile (NM_001321283.2); c.1052C>T, p.Thr351Ile (NM_001321285.2); short protein forms T169I, T351I, T531I, T590I, T705I.
Identifiers: ClinVar variation 4800356 (VCV004800356.1).

ClinVar aggregate classification (germline): Uncertain significance (1 of 4 stars; one submission).

Conditions:
Progressive familial heart block type IB (PFHB1B). Identifiers: Orphanet 871, MedGen C1970298, MONDO:0011474, OMIM 604559.

gnomAD v4.1: 2 of 1,614,082 alleles (0.00012%); highest among the groups gnomAD compares: African/African-American, 0.0013%; no homozygotes.

Submission:

Labcorp Genetics (formerly Invitae), Labcorp
Classification: Uncertain significance for Progressive familial heart block type IB. Last evaluated: 2025-11-06. Review status: criteria provided, single submitter. Criteria: Invitae Variant Classification Sherloc (09022015). Collection method: clinical testing. Allele origin: germline.
Comment: This sequence change replaces threonine, which is neutral and polar, with isoleucine, which is neutral and non-polar, at codon 705 of the TRPM4 protein (p.Thr705Ile). This variant is present in population databases (no rsID available, gnomAD 0.007%). This variant has not been reported in the literature in individuals affected with TRPM4-related conditions. An algorithm developed to predict the effect of missense changes on protein structure and function (PolyPhen-2) suggests that this variant is likely to be disruptive. In summary, the available evidence is currently insufficient to determine the role of this variant in disease. Therefore, it has been classified as a Variant of Uncertain Significance.